The following is an entry in ClinVar:

ClinVar aggregate classification (germline): Uncertain significance. Review status: criteria provided, multiple submitters, no conflicts (2 of 4 stars). 2 submissions from 2 submitters: Uncertain significance (2). Last evaluated 2024-05-02.

Conditions:
Inborn genetic diseases. Identifiers: MedGen C0950123, MeSH D030342.

Allele frequency attached by ClinVar (database versions not stated): ExAC 0.00001.
gnomAD v4.1: 5 of 1,614,006 alleles (0.00031%); highest among the groups gnomAD compares: South Asian, 0.0044%; no homozygotes.

Submissions (2):

Ambry Genetics
Classification: Uncertain significance for Inborn genetic diseases. Last evaluated: 2024-05-02. Review status: criteria provided, single submitter. Criteria: Ambry Variant Classification Scheme 2023. Collection method: clinical testing. Allele origin: germline.

Labcorp Genetics (formerly Invitae), Labcorp
Classification: Uncertain significance. Last evaluated: 2022-08-20. Review status: criteria provided, single submitter. Criteria: Invitae Variant Classification Sherloc (09022015). Collection method: clinical testing. Allele origin: germline.
Comment: In summary, the available evidence is currently insufficient to determine the role of this variant in disease. Therefore, it has been classified as a Variant of Uncertain Significance. Algorithms developed to predict the effect of missense changes on protein structure and function (SIFT, PolyPhen-2, Align-GVGD) all suggest that this variant is likely to be tolerated. This variant has not been reported in the literature in individuals affected with PRKCSH-related conditions. This variant is present in population databases (rs747320872, gnomAD 0.007%). This sequence change replaces leucine, which is neutral and non-polar, with phenylalanine, which is neutral and non-polar, at codon 289 of the PRKCSH protein (p.Leu289Phe).

NM_001289104.2(PRKCSH):c.865C>T (p.Leu289Phe)

Gene: PRKCSH (PRKCSH beta subunit of glucosidase II; plus strand). Cytogenetic location: 19p13.2.
Variant type: single nucleotide variant.
Coding change: c.865C>T on transcript NM_001289104.2 (MANE Select); coding-DNA position 865, C replaced by T.
Protein change: p.Leu289Phe; replaces leucine 289 with phenylalanine.
Molecular consequence: missense variant.
Genome position (GRCh38, 1-based): chr19:11,447,454, C>T. VCF-style: chr19-11447454-C-T. GRCh37 (hg19) VCF-style: chr19-11558269-C-T.
Other names: c.865C>T (NM_002743.2); c.865C>T, p.Leu289Phe (NM_001001329.3, NM_001289102.2, NM_001289103.2 and 3 more transcripts); short protein forms L289F.
Identifiers: ClinVar variation 1973183 (VCV001973183.6), dbSNP rs747320872, ClinGen allele CA9213052.